The following is an entry in ClinVar:

NM_002109.6(HARS1):c.695G>A (p.Arg232His)

Gene: HARS1 (histidyl-tRNA synthetase 1; minus strand). Cytogenetic location: 5q31.3.
Variant type: single nucleotide variant.
Coding change: c.695G>A on transcript NM_002109.6 (MANE Select); coding-DNA position 695, G replaced by A.
Protein change: p.Arg232His; replaces arginine 232 with histidine.
Molecular consequence: missense variant.
Genome position (GRCh38, 1-based): chr5:140,677,689, C>T on the plus strand (G>A on the coding strand, the complement: HARS1 is on the minus strand). VCF-style: chr5-140677689-C-T. GRCh37 (hg19) VCF-style: chr5-140057274-C-T.
Other names: c.575G>A, p.Arg192His (NM_001258040.3); c.635G>A, p.Arg212His (NM_001258041.3); c.515G>A, p.Arg172His (NM_001258042.3); c.473G>A, p.Arg158His (NM_001289092.2); c.353G>A, p.Arg118His (NM_001289093.2); c.608G>A, p.Arg203His (NM_001289094.2); c.695G>A (NM_002109.3); short protein forms R232H, R203H, R212H, R192H, R118H, R158H, R172H.
Identifiers: ClinVar variation 864435 (VCV000864435.11), dbSNP rs550778711, ClinGen allele CA3444022.

ClinVar aggregate classification (germline): Conflicting classifications of pathogenicity. Review status: criteria provided, conflicting classifications (1 of 4 stars). 2 submissions from 2 submitters: Uncertain significance (1); Likely benign (1). Last evaluated 2026-01-13.

Conditions:
Usher syndrome type 3B. Also called: USHER SYNDROME, TYPE IIIB. Identifiers: MedGen C3281066, MONDO:0013788, OMIM 614504.

Allele frequency attached by ClinVar (database versions not stated): gnomAD exomes 0.00001 and 0.00003; ExAC 0.00002; TOPMed 0.00002; 1000 Genomes Project 30x 0.00016; 1000 Genomes Project 0.00020.
gnomAD v4.1: 23 of 1,611,578 alleles (0.0014%); highest among the groups gnomAD compares: East Asian, 0.011%; no homozygotes.

Submissions (2):

Labcorp Genetics (formerly Invitae), Labcorp
Classification: Uncertain significance for Usher syndrome type 3B. Last evaluated: 2026-01-13. Review status: criteria provided, single submitter. Criteria: Invitae Variant Classification Sherloc (09022015). Collection method: clinical testing. Allele origin: germline.
Comment: This sequence change replaces arginine, which is basic and polar, with histidine, which is basic and polar, at codon 232 of the HARS protein (p.Arg232His). This variant is present in population databases (rs550778711, gnomAD 0.02%). This variant has not been reported in the literature in individuals affected with HARS-related conditions. ClinVar contains an entry for this variant (Variation ID: 864435). Invitae Evidence Modeling of protein sequence and biophysical properties (such as structural, functional, and spatial information, amino acid conservation, physicochemical variation, residue mobility, and thermodynamic stability) indicates that this missense variant is not expected to disrupt HARS protein function with a negative predictive value of 80%. In summary, the available evidence is currently insufficient to determine the role of this variant in disease. Therefore, it has been classified as a Variant of Uncertain Significance.

Ambry Genetics
Classification: Likely benign. Last evaluated: 2023-10-10. Review status: criteria provided, single submitter. Criteria: Ambry Variant Classification Scheme 2023. Collection method: clinical testing. Allele origin: germline.